The following is an entry in ClinVar:

ClinVar aggregate classification (germline): Uncertain significance. Review status: criteria provided, multiple submitters, no conflicts (2 of 4 stars). 3 submissions from 3 submitters: Uncertain significance (2). 1 of the submissions does not count toward it. Last evaluated 2022-07-26.

Conditions:
Duchenne muscular dystrophy (DMD). Also called: MUSCULAR DYSTROPHY, PSEUDOHYPERTROPHIC PROGRESSIVE, DUCHENNE TYPE; Duchenne Muscular Dystrophy (DMD). Identifiers: Orphanet 98896, MedGen C0013264, MONDO:0010679, OMIM 310200.
Dystrophin deficiency.
Becker muscular dystrophy (BMD). Also called: MUSCULAR DYSTROPHY, PSEUDOHYPERTROPHIC PROGRESSIVE, BECKER TYPE; Becker Muscular Dystrophy (BMD). Identifiers: Orphanet 98895, MedGen C0917713, MONDO:0010311, OMIM 300376.
Cardiomyopathy (CMYO). Also called: Cardiomyopathies. Identifiers: Orphanet 167848, MedGen C0878544, MONDO:0004994, HP:0001638. Inheritance: Various modes of inheritance.
Dilated cardiomyopathy 3B (CMD3B). Also called: CMD3B: DMD-Related Dilated Cardiomyopathy; CARDIOMYOPATHY, DILATED, X-LINKED; DMD-Associated Dilated Cardiomyopathy. Identifiers: Orphanet 154, MedGen C3668940, MONDO:0010542, OMIM 302045.

Allele frequency attached by ClinVar (database versions not stated): gnomAD exomes below 0.00001.
gnomAD v4.1: 1 of 1,210,837 alleles (0.000083%); highest among the groups gnomAD compares: Non-Finnish European, 0.00011%; no homozygotes.

Submissions (3):

Labcorp Genetics (formerly Invitae), Labcorp
Classification: Uncertain significance for Duchenne muscular dystrophy. Last evaluated: 2022-07-26. Review status: criteria provided, single submitter. Criteria: Invitae Variant Classification Sherloc (09022015). Collection method: clinical testing. Allele origin: germline.
Comment: In summary, the available evidence is currently insufficient to determine the role of this variant in disease. Therefore, it has been classified as a Variant of Uncertain Significance. Algorithms developed to predict the effect of missense changes on protein structure and function (SIFT, PolyPhen-2, Align-GVGD) all suggest that this variant is likely to be tolerated. ClinVar contains an entry for this variant (Variation ID: 960661). This variant has not been reported in the literature in individuals affected with DMD-related conditions. This variant is not present in population databases (gnomAD no frequency). This sequence change replaces threonine, which is neutral and polar, with serine, which is neutral and polar, at codon 2932 of the DMD protein (p.Thr2932Ser).

Fulgent Genetics
Classification: Uncertain significance for Becker muscular dystrophy; Dilated cardiomyopathy 3B; Duchenne muscular dystrophy. Last evaluated: 2021-07-23. Review status: criteria provided, single submitter. Criteria: ACMG Guidelines, 2015. Collection method: clinical testing. Allele origin: unknown.

Natera, Inc.
Classification: Uncertain significance for Becker muscular dystrophy; Cardiomyopathy; Duchenne muscular dystrophy; Dystrophin deficiency. Last evaluated: 2020-09-28. Review status: no assertion criteria provided. Collection method: clinical testing. Allele origin: germline. Not counted in ClinVar's aggregate classification.

NM_004006.3(DMD):c.8794A>T (p.Thr2932Ser)

Gene: DMD (dystrophin; minus strand). Cytogenetic location: Xp21.2.
Variant type: single nucleotide variant.
Coding change: c.8794A>T on transcript NM_004006.3 (MANE Select); coding-DNA position 8794, A replaced by T.
Protein change: p.Thr2932Ser; replaces threonine 2932 with serine.
Molecular consequence: missense variant.
Genome position (GRCh38, 1-based): chrX:31,478,249, T>A on the plus strand (A>T on the coding strand, the complement: DMD is on the minus strand). VCF-style: chrX-31478249-T-A. GRCh37 (hg19) VCF-style: chrX-31496366-T-A.
Other names: c.8770A>T, p.Thr2924Ser (NM_000109.4); c.8782A>T, p.Thr2928Ser (NM_004009.3); c.8425A>T, p.Thr2809Ser (NM_004010.3); c.4771A>T, p.Thr1591Ser (NM_004011.4); c.4762A>T, p.Thr1588Ser (NM_004012.4); c.1414A>T, p.Thr472Ser (NM_004013.3, NM_004020.4, NM_004021.3 and 2 more transcripts); c.607A>T, p.Thr203Ser (NM_004014.3); short protein forms T2809S, T2928S, T1591S, T203S, T472S, T2924S, T2932S, T1588S.
Identifiers: ClinVar variation 960661 (VCV000960661.12), dbSNP rs2067958322, ClinGen allele CA412654137.